The following is an entry in ClinVar:

NM_000170.3(GLDC):c.1908A>G (p.Lys636=)

Gene: GLDC (glycine decarboxylase; minus strand). Cytogenetic location: 9p24.1.
Variant type: single nucleotide variant.
Coding change: c.1908A>G on transcript NM_000170.3 (MANE Select); coding-DNA position 1908, A replaced by G.
Protein change: p.Lys636=; no amino-acid change (lysine 636 retained).
Molecular consequence: synonymous variant.
Genome position (GRCh38, 1-based): chr9:6,565,372, T>C on the plus strand (A>G on the coding strand, the complement: GLDC is on the minus strand). VCF-style: chr9-6565372-T-C. GRCh37 (hg19) VCF-style: chr9-6565372-T-C.
Other names: c.1908A>G (NM_000170.2).
Identifiers: ClinVar variation 1122039 (VCV001122039.12), dbSNP rs552960907, ClinGen allele CA188652635.

ClinVar aggregate classification (germline): Likely benign. Review status: criteria provided, multiple submitters, no conflicts (2 of 4 stars). 3 submissions from 3 submitters: Likely benign (2). 1 of the submissions does not count toward it. Last evaluated 2025-02-12.

Conditions:
GLDC-related disorder. Also called: GLDC-related condition.
Glycine encephalopathy. Also called: Nonketotic hyperglycinemia; Non-ketotic hyperglycinemia. Identifiers: Orphanet 407, MedGen C0751748, MONDO:0011612, HP:0008288.

Allele frequency attached by ClinVar (database versions not stated): gnomAD exomes below 0.00001 and 0.00001.
gnomAD v4.1: 27 of 1,613,506 alleles (0.0017%); highest among the groups gnomAD compares: African/African-American, 0.012%; no homozygotes.

Submissions (3):

Labcorp Genetics (formerly Invitae), Labcorp
Classification: Likely benign for Glycine encephalopathy. Last evaluated: 2025-02-12. Review status: criteria provided, single submitter. Criteria: Invitae Variant Classification Sherloc (09022015). Collection method: clinical testing. Allele origin: germline.

Blueprint Genetics
Classification: Likely benign. Last evaluated: 2021-09-20. Review status: criteria provided, single submitter. Criteria: ACMG Guidelines, 2015. Collection method: clinical testing. Allele origin: germline.

PreventionGenetics, part of Exact Sciences
Classification: Likely benign for GLDC-related condition. Last evaluated: 2019-05-27. Review status: no assertion criteria provided. Collection method: clinical testing. Allele origin: germline. Not counted in ClinVar's aggregate classification.
Comment: This variant is classified as likely benign based on ACMG/AMP sequence variant interpretation guidelines (Richards et al. 2015 PMID: 25741868, with internal and published modifications).